The following is an entry in ClinVar:

ClinVar aggregate classification (germline): Pathogenic (1 of 4 stars; one submission).

Conditions:
Ellis-van Creveld syndrome (EVC). Also called: MESOECTODERMAL DYSPLASIA; Chondroectodermal dysplasia. Identifiers: Orphanet 289, MedGen C0013903, MONDO:0009162, OMIM 225500.

Submission:

Myriad Genetics, Inc.
Classification: Pathogenic for Ellis-van Creveld syndrome. Last evaluated: 2023-09-27. Review status: criteria provided, single submitter. Criteria: Myriad Autosomal Dominant, Autosomal Recessive and X-Linked Classification Criteria (2023). Collection method: clinical testing. Allele origin: unknown.
Comment: NM_153717.2(EVC):c.2510dupG(S838Qfs*9) is expected to be pathogenic in the context of EVC-related Ellis-van Creveld syndrome. This variant is predicted to lead to an abnormal or absent protein product due to the creation of a premature termination codon in EVC, a gene where loss-of-function variants are known to be pathogenic. Please note: this variant was assessed in the context of healthy population screening.

NM_153717.3(EVC):c.2510dup (p.Ser838fs)

Gene: EVC (EvC ciliary complex subunit 1; plus strand). Cytogenetic location: 4p16.2.
Variant type: Duplication.
Coding change: c.2510dup on transcript NM_153717.3 (MANE Select); coding-DNA position 2510, one base duplicated (G; older notation c.2510dupG).
Protein change: p.Ser838fs; shifts the reading frame from serine 838.
Molecular consequence: frameshift variant.
Genome position (GRCh38, 1-based): chr4:5,804,790, G duplicated; the last of 3 consecutive G bases (chr4:5,804,788-5,804,790); duplicating any one gives the same sequence. VCF-style (leftmost placement, unchanged base first): chr4-5804787-C-CG. GRCh37 (hg19) VCF-style: chr4-5806514-C-CG.
Other names: c.2510dup, p.Ser838fs (NM_001306090.2); short protein forms S838fs.
Identifiers: ClinVar variation 5011966 (VCV005011966.1).
Genomic context (GRCh38, chr4:5,804,787, plus strand): 5'-TAGGTGAGAGGATGGAAAATTACAAACTGCGGAAAAAGCAAGAACTCAGCAACCCTTCGT[C>CG]GGGCAGCAGGACGGCAGGTGGCGCTCATGAGACCTCCCAGGCGGTCCACCAGAGGTGAGG-3'